The following is an entry in ClinVar:

ClinVar aggregate classification (germline): Uncertain significance (1 of 4 stars; one submission).

Submission:

Labcorp Genetics (formerly Invitae), Labcorp
Classification: Uncertain significance. Last evaluated: 2023-05-23. Review status: criteria provided, single submitter. Criteria: Invitae Variant Classification Sherloc (09022015). Collection method: clinical testing. Allele origin: germline.
Comment: This sequence change replaces isoleucine, which is neutral and non-polar, with serine, which is neutral and polar, at codon 147 of the CLUAP1 protein (p.Ile147Ser). This variant is not present in population databases (gnomAD no frequency). This variant has not been reported in the literature in individuals affected with CLUAP1-related conditions. Advanced modeling of protein sequence and biophysical properties (such as structural, functional, and spatial information, amino acid conservation, physicochemical variation, residue mobility, and thermodynamic stability) performed at Invitae indicates that this missense variant is expected to disrupt CLUAP1 protein function. In summary, the available evidence is currently insufficient to determine the role of this variant in disease. Therefore, it has been classified as a Variant of Uncertain Significance.

NM_015041.3(CLUAP1):c.440T>G (p.Ile147Ser)

Gene: CLUAP1 (clusterin associated protein 1; plus strand). Cytogenetic location: 16p13.3.
Variant type: single nucleotide variant.
Coding change: c.440T>G on transcript NM_015041.3 (MANE Select); coding-DNA position 440, T replaced by G.
Protein change: p.Ile147Ser; replaces isoleucine 147 with serine.
Molecular consequence: missense variant. On other transcripts: intron variant (1).
Genome position (GRCh38, 1-based): chr16:3,512,423, T>G. VCF-style: chr16-3512423-T-G. GRCh37 (hg19) VCF-style: chr16-3562423-T-G.
Other names: c.440T>G, p.Ile147Ser (NM_001330454.2); c.-4+2454T>G (NM_024793.3); short protein forms I147S.
Identifiers: ClinVar variation 2865518 (VCV002865518.3), dbSNP rs2543944634, ClinGen allele CA394512755.